The following is an entry in ClinVar:

ClinVar aggregate classification (germline): Pathogenic (1 of 4 stars; one submission).

Conditions:
Carnitine palmitoyl transferase 1A deficiency. Also called: Carnitine palmitoyltransferase 1A deficiency; Carnitine palmitoyltransferase type I deficiency; CPT deficiency, hepatic, type IA; CPT I DEFICIENCY; CPT DEFICIENCY, HEPATIC, TYPE I. Identifiers: Orphanet 156, MedGen C1829703, MONDO:0009705, OMIM 255120.

Submission:

Labcorp Genetics (formerly Invitae), Labcorp
Classification: Pathogenic for Carnitine palmitoyl transferase 1A deficiency. Last evaluated: 2024-05-21. Review status: criteria provided, single submitter. Criteria: Invitae Variant Classification Sherloc (09022015). Collection method: clinical testing. Allele origin: germline.
Comment: This sequence change creates a premature translational stop signal (p.Glu196Lysfs*7) in the CPT1A gene. It is expected to result in an absent or disrupted protein product. Loss-of-function variants in CPT1A are known to be pathogenic (PMID: 16169268). This variant is not present in population databases (gnomAD no frequency). This variant has not been reported in the literature in individuals affected with CPT1A-related conditions. For these reasons, this variant has been classified as Pathogenic.

Literature cited by the submitters: PubMed 16169268.

NM_001876.4(CPT1A):c.586del (p.Glu196fs)

Gene: CPT1A (carnitine palmitoyltransferase 1A; minus strand). Cytogenetic location: 11q13.3.
Variant type: Deletion.
Coding change: c.586del on transcript NM_001876.4 (MANE Select); coding-DNA position 586, one base deleted (G; older notation c.586delG).
Protein change: p.Glu196fs; shifts the reading frame from glutamic acid 196.
Molecular consequence: frameshift variant.
Genome position (GRCh38, 1-based): chr11:68,799,325, C deleted on the plus strand (G on the coding strand, the reverse complement: CPT1A is on the minus strand); the first of 2 consecutive C bases (chr11:68,799,325-68,799,326); deleting either gives the same sequence. VCF-style (leftmost placement, unchanged base first): chr11-68799324-TC-T. GRCh37 (hg19) VCF-style: chr11-68566792-TC-T.
Other names: c.586del, p.Glu196fs (NM_001031847.3); short protein forms E196fs.
Identifiers: ClinVar variation 3632593 (VCV003632593.2).
Genomic context (GRCh38, chr11:68,799,324, plus strand): 5'-CTTGGTCCAAGACCGACAGCAAAATCTTGAGCAAGTGCTGTCATCCGTTTGAAGTCTTCT[TC>T]CTTCATAAGAGGCCTCACCGACTGTAGATACTGGGATTATTGGGGGAAAAAAAAATCACC-3'